The following is an entry in ClinVar:

ClinVar aggregate classification (germline): Conflicting classifications of pathogenicity. Review status: criteria provided, conflicting classifications (1 of 4 stars). 4 submissions from 4 submitters: Pathogenic (1); Likely pathogenic (1); Uncertain significance (2). Last evaluated 2023-06-05.

Conditions:
Early-infantile DEE. Also called: Ohtahara syndrome; Early infantile epileptic encephalopathy; Early infantile epileptic encephalopathy with suppression bursts. Identifiers: Orphanet 1934, MedGen C0393706, MONDO:0800491.
Generalized epilepsy with febrile seizures plus, type 2 (GEFSP2). Also called: GEFS+, TYPE 2. Identifiers: Orphanet 36387, MedGen C1858673, MONDO:0011461, OMIM 604403.

Allele frequency attached by ClinVar (database versions not stated): gnomAD exomes below 0.00001.
gnomAD v4.1: 2 of 1,614,126 alleles (0.00012%); highest among the groups gnomAD compares: Non-Finnish European, 0.000085%; no homozygotes.

Submissions (4):

Labcorp Genetics (formerly Invitae), Labcorp
Classification: Pathogenic for Early-infantile DEE. Last evaluated: 2023-06-05. Review status: criteria provided, single submitter. Criteria: Invitae Variant Classification Sherloc (09022015). Collection method: clinical testing. Allele origin: germline.
Comment: For these reasons, this variant has been classified as Pathogenic. This variant disrupts the p.Val947 amino acid residue in SCN1A. Other variant(s) that disrupt this residue have been determined to be pathogenic (PMID: 30619928, 31755124). This suggests that this residue is clinically significant, and that variants that disrupt this residue are likely to be disease-causing. Advanced modeling of protein sequence and biophysical properties (such as structural, functional, and spatial information, amino acid conservation, physicochemical variation, residue mobility, and thermodynamic stability) performed at Invitae indicates that this missense variant is expected to disrupt SCN1A protein function. ClinVar contains an entry for this variant (Variation ID: 206788). This missense change has been observed in individual(s) with clinical features of SCN1A-related conditions (Invitae). It has also been observed to segregate with disease in related individuals. This variant is not present in population databases (gnomAD no frequency). This sequence change replaces valine, which is neutral and non-polar, with methionine, which is neutral and non-polar, at codon 947 of the SCN1A protein (p.Val947Met).

GeneDx
Classification: Likely pathogenic. Last evaluated: 2023-04-26. Review status: criteria provided, single submitter. Criteria: GeneDx Variant Classification Process June 2021. Collection method: clinical testing. Allele origin: germline. Affected: yes.
Comment: Reported in the heterozygous state in a patient with GEFS+, speech delay, and learning disability (Boelmann et al., 2022); Not observed at significant frequency in large population cohorts (gnomAD); Missense variants in this gene are often considered pathogenic (HGMD); This substitution is predicted to be within the pore forming loop between the S5 and S6 transmembrane segments of the second homologous domain.; In silico analysis supports that this missense variant has a deleterious effect on protein structure/function; This variant is associated with the following publications: (PMID: 34953286)

Revvity Omics, Revvity
Classification: Uncertain significance. Last evaluated: 2022-08-11. Review status: criteria provided, single submitter. Criteria: ACMG Guidelines, 2015. Collection method: clinical testing. Allele origin: germline.

Institute of Human Genetics, University of Leipzig Medical Center
Classification: Uncertain significance for Generalized epilepsy with febrile seizures plus, type 2. Last evaluated: 2017-01-03. Review status: criteria provided, single submitter. Criteria: ACMG Guidelines, 2015. Collection method: clinical testing. Allele origin: germline. Affected: yes. Observed: 1 variant allele.

Literature cited by the submitters: PubMed 30619928 (cited by Labcorp Genetics (formerly Invitae), Labcorp); PubMed 31755124 (cited by Labcorp Genetics (formerly Invitae), Labcorp).

NM_001165963.4(SCN1A):c.2839G>A (p.Val947Met)

Gene: SCN1A (sodium voltage-gated channel alpha subunit 1; minus strand). Cytogenetic location: 2q24.3.
Variant type: single nucleotide variant.
Coding change: c.2839G>A on transcript NM_001165963.4 (MANE Select); coding-DNA position 2839, G replaced by A.
Protein change: p.Val947Met; replaces valine 947 with methionine.
Molecular consequence: missense variant. On other transcripts: non-coding transcript variant (1).
Genome position (GRCh38, 1-based): chr2:166,037,883, C>T on the plus strand (G>A on the coding strand, the complement: SCN1A is on the minus strand). VCF-style: chr2-166037883-C-T. GRCh37 (hg19) VCF-style: chr2-166894393-C-T.
Other names: p.V947M:GTG>ATG; c.2839G>A (NM_001165963.3); c.2755G>A, p.Val919Met (NM_001165964.3, NM_001353957.2, NM_001353958.2); c.2839G>A, p.Val947Met (NM_001202435.3, NM_001353948.2); c.2806G>A, p.Val936Met (NM_001353949.2, NM_001353950.2, NM_001353951.2 and 2 more transcripts); c.2803G>A, p.Val935Met (NM_001353954.2, NM_001353955.2); c.2752G>A, p.Val918Met (NM_001353960.2); c.397G>A, p.Val133Met (NM_001353961.2); short protein forms V936M, V947M, V919M, V133M, V918M, V935M.
Identifiers: ClinVar variation 206788 (VCV000206788.18), dbSNP rs796052986, ClinGen allele CA317315.